The following is an entry in ClinVar:

NM_001289104.2(PRKCSH):c.481G>T (p.Glu161Ter)

Gene: PRKCSH (PRKCSH beta subunit of glucosidase II; plus strand). Cytogenetic location: 19p13.2.
Variant type: single nucleotide variant.
Coding change: c.481G>T on transcript NM_001289104.2 (MANE Select); coding-DNA position 481, G replaced by T.
Protein change: p.Glu161Ter; replaces glutamic acid 161 with a stop codon.
Molecular consequence: nonsense.
Genome position (GRCh38, 1-based): chr19:11,442,398, G>T. VCF-style: chr19-11442398-G-T. GRCh37 (hg19) VCF-style: chr19-11553213-G-T.
Other names: c.481G>T, p.Glu161Ter (NM_001001329.3, NM_001289102.2, NM_001289103.2 and 3 more transcripts); short protein forms E161*.
Identifiers: ClinVar variation 2754965 (VCV002754965.2), dbSNP rs1452202532, ClinGen allele CA404133412.

ClinVar aggregate classification (germline): Pathogenic (1 of 4 stars; one submission).

Submission:

Labcorp Genetics (formerly Invitae), Labcorp
Classification: Pathogenic. Last evaluated: 2023-11-28. Review status: criteria provided, single submitter. Criteria: Invitae Variant Classification Sherloc (09022015). Collection method: clinical testing. Allele origin: germline.
Comment: This sequence change creates a premature translational stop signal (p.Glu161*) in the PRKCSH gene. It is expected to result in an absent or disrupted protein product. Loss-of-function variants in PRKCSH are known to be pathogenic (PMID: 12529853, 12577059, 20095989). This variant is not present in population databases (gnomAD no frequency). This variant has not been reported in the literature in individuals affected with PRKCSH-related conditions. Algorithms developed to predict the effect of sequence changes on RNA splicing suggest that this variant may disrupt the consensus splice site. For these reasons, this variant has been classified as Pathogenic.

Literature cited by the submitters: PubMed 12529853; PubMed 12577059; PubMed 20095989.